The following is an entry in ClinVar:

ClinVar aggregate classification (germline): Conflicting classifications of pathogenicity. Review status: criteria provided, conflicting classifications (1 of 4 stars). 4 submissions from 4 submitters: Likely pathogenic (2); Uncertain significance (1). 1 of the submissions does not count toward it. Last evaluated 2024-02-08.

Conditions:
Congenital disorder of glycosylation (CDG). Also called: Carbohydrate-deficient glycoprotein syndrome; Congenital disorders of glycosylation. Identifiers: Orphanet 137, MedGen C0282577, MONDO:0015286.
ALG1-congenital disorder of glycosylation. Also called: CONGENITAL DISORDER OF GLYCOSYLATION, TYPE Ik; CDG Ik; ALG1-CDG. Identifiers: Orphanet 79327, MedGen C2931005, MONDO:0012052, OMIM 608540.

Allele frequency attached by ClinVar (database versions not stated): gnomAD exomes below 0.00001.
gnomAD v4.1: 2 of 1,611,758 alleles (0.00012%); highest among the groups gnomAD compares: Non-Finnish European, 0.00017%; no homozygotes.

Submissions (4):

Fulgent Genetics
Classification: Likely pathogenic for ALG1-congenital disorder of glycosylation. Last evaluated: 2024-02-08. Review status: criteria provided, single submitter. Criteria: ACMG Guidelines, 2015. Collection method: clinical testing. Allele origin: germline.

Labcorp Genetics (formerly Invitae), Labcorp
Classification: Uncertain significance for ALG1-congenital disorder of glycosylation. Last evaluated: 2023-11-27. Review status: criteria provided, single submitter. Criteria: Invitae Variant Classification Sherloc (09022015). Collection method: clinical testing. Allele origin: germline.
Comment: This sequence change replaces proline, which is neutral and non-polar, with serine, which is neutral and polar, at codon 388 of the ALG1 protein (p.Pro388Ser). This variant is not present in population databases (gnomAD no frequency). This missense change has been observed in individual(s) with clinical features of ALG1-related conditions (PMID: 26931382). ClinVar contains an entry for this variant (Variation ID: 95933). Advanced modeling of protein sequence and biophysical properties (such as structural, functional, and spatial information, amino acid conservation, physicochemical variation, residue mobility, and thermodynamic stability) performed at Invitae indicates that this missense variant is expected to disrupt ALG1 protein function with a positive predictive value of 80%. Experimental studies have shown that this missense change affects ALG1 function (PMID: 26931382). In summary, the available evidence is currently insufficient to determine the role of this variant in disease. Therefore, it has been classified as a Variant of Uncertain Significance.

Eurofins Ntd Llc (ga)
Classification: Likely pathogenic. Last evaluated: 2018-02-06. Review status: criteria provided, single submitter. Criteria: EGL Classification Definitions 2015. Collection method: clinical testing. Allele origin: germline. Observed: 3 variant alleles, 3 heterozygotes.

University of Washington Center for Mendelian Genomics, University of Washington
Classification: Likely pathogenic for Congenital disorder of glycosylation. Last evaluated: 2017-05-25. Review status: no assertion criteria provided. Collection method: research. Allele origin: unknown. Affected: yes. Not counted in ClinVar's aggregate classification.

Literature cited by the submitters: PubMed 26931382 (cited by Labcorp Genetics (formerly Invitae), Labcorp and University of Washington Center for Mendelian Genomics, University of Washington).

NM_019109.5(ALG1):c.1162C>T (p.Pro388Ser)

Gene: ALG1 (ALG1 chitobiosyldiphosphodolichol beta-mannosyltransferase; plus strand). Cytogenetic location: 16p13.3.
Variant type: single nucleotide variant.
Coding change: c.1162C>T on transcript NM_019109.5 (MANE Select); coding-DNA position 1162, C replaced by T.
Protein change: p.Pro388Ser; replaces proline 388 with serine.
Molecular consequence: missense variant.
Genome position (GRCh38, 1-based): chr16:5,082,648, C>T. VCF-style: chr16-5082648-C-T. GRCh37 (hg19) VCF-style: chr16-5132649-C-T.
Other names: c.829C>T, p.Pro277Ser (NM_001330504.2); short protein forms P277S.
Identifiers: ClinVar variation 95933 (VCV000095933.13), dbSNP rs398124349, ClinGen allele CA223553.